The following is an entry in ClinVar:

ClinVar aggregate classification (germline): Pathogenic/Likely pathogenic. Review status: criteria provided, multiple submitters, no conflicts (2 of 4 stars). 2 submissions from 2 submitters: Pathogenic (1); Likely pathogenic (1). Last evaluated 2023-08-16.

Conditions:
Lynch syndrome 5 (LYNCH5). Also called: Colorectal cancer, hereditary nonpolyposis, type 5; Hereditary non-polyposis colorectal cancer, type 5. Identifiers: Orphanet 144, MedGen C1833477, MONDO:0013710, OMIM 614350. Disease mechanism: loss of function.
Hereditary nonpolyposis colon cancer (HNPCC). Also called: Hereditary nonpolyposis colorectal cancer; Familial nonpolyposis colon cancer; Hereditary Nonpolyposis Colorectal Cancer Syndrome. Identifiers: Orphanet 443909, MedGen C1333990, MONDO:0018630. Disease mechanism: loss of function.

Submissions (2):

Myriad Genetics, Inc.
Classification: Pathogenic for Lynch syndrome 5. Last evaluated: 2023-08-16. Review status: criteria provided, single submitter. Criteria: Myriad Autosomal Dominant, Autosomal Recessive and X-Linked Classification Criteria (2023). Collection method: clinical testing. Allele origin: unknown.
Comment: This variant is considered pathogenic. This variant creates a termination codon and is predicted to result in premature protein truncation.

Women's Health and Genetics/Laboratory Corporation of America, LabCorp
Classification: Likely pathogenic for Hereditary nonpolyposis colon cancer. Last evaluated: 2021-12-07. Review status: criteria provided, single submitter. Criteria: LabCorp Variant Classification Summary - May 2015. Collection method: clinical testing. Allele origin: germline.
Comment: Variant summary: MSH6 c.1991_1992delCA (p.Ser664X) results in a premature termination codon, predicted to cause a truncation of the encoded protein or absence of the protein due to nonsense mediated decay, which are commonly known mechanisms for disease. Truncations downstream of this position have been classified as pathogenic by our laboratory. The variant was absent in 251088 control chromosomes (gnomAD). To our knowledge, no occurrence of c.1991_1992delCA in individuals affected with Lynch Syndrome and no experimental evidence demonstrating its impact on protein function have been reported. No clinical diagnostic laboratories have submitted clinical-significance assessments for this variant to ClinVar after 2014. Based on the evidence outlined above, the variant was classified as likely pathogenic.

NM_000179.3(MSH6):c.1991_1992del (p.Thr663_Ser664insTer)

Gene: MSH6 (mutS homolog 6; plus strand). Cytogenetic location: 2p16.3.
Variant type: Deletion.
Coding change: c.1991_1992del on transcript NM_000179.3 (MANE Select); coding-DNA positions 1991 to 1992, 2 bases deleted (CA; older notation c.1991_1992delCA).
Protein change: p.Thr663_Ser664insTer.
Molecular consequence: nonsense.
Genome position (GRCh38, 1-based): chr2:47,799,974-47,799,975, CA deleted. VCF-style (leftmost placement, unchanged base first): chr2-47799973-TCA-T. GRCh37 (hg19) VCF-style: chr2-48027112-TCA-T.
Other names: c.1601_1602del, p.Thr533_Ser534insTer (NM_001281492.2); c.1085_1086del, p.Thr361_Ser362insTer (NM_001281493.2, NM_001281494.2).
Identifiers: ClinVar variation 1331368 (VCV001331368.2), dbSNP rs2104380945, ClinGen allele CA2573051969.